The following is an entry in ClinVar:

ClinVar aggregate classification (germline): Likely benign. Review status: criteria provided, multiple submitters, no conflicts (2 of 4 stars). 2 submissions from 2 submitters: Likely benign (2). Last evaluated 2025-11-24.

Conditions:
Koolen-de Vries syndrome (KDVS). Identifiers: Orphanet 96169, MedGen C1864871, MONDO:0012496, OMIM 610443.

Allele frequency attached by ClinVar (database versions not stated): ExAC 0.00001; gnomAD 0.00001; gnomAD exomes 0.00001; TOPMed 0.00001.
gnomAD v4.1: 26 of 1,614,044 alleles (0.0016%); highest among the groups gnomAD compares: Non-Finnish European, 0.0021%; no homozygotes.

Submissions (2):

Labcorp Genetics (formerly Invitae), Labcorp
Classification: Likely benign for Koolen-de Vries syndrome. Last evaluated: 2025-11-24. Review status: criteria provided, single submitter. Criteria: Invitae Variant Classification Sherloc (09022015). Collection method: clinical testing. Allele origin: germline.

GeneDx
Classification: Likely benign. Last evaluated: 2018-01-29. Review status: criteria provided, single submitter. Criteria: GeneDx Variant Classification (06012015). Collection method: clinical testing. Allele origin: germline. Affected: yes.
Comment: This variant is considered likely benign or benign based on one or more of the following criteria: it is a conservative change, it occurs at a poorly conserved position in the protein, it is predicted to be benign by multiple in silico algorithms, and/or has population frequency not consistent with disease.

NM_015443.4(KANSL1):c.2464T>G (p.Leu822Val)

Gene: KANSL1 (KAT8 regulatory NSL complex subunit 1). Cytogenetic location: 17q21.31.
Variant type: single nucleotide variant.
Coding change: c.2464T>G on transcript NM_015443.4 (MANE Select); coding-DNA position 2464, T replaced by G.
Protein change: p.Leu822Val; replaces leucine 822 with valine.
Molecular consequence: missense variant.
Genome position (GRCh38, 1-based): chr17:46,038,615, A>C on the plus strand (T>G on the coding strand, the complement: KANSL1 is on the minus strand). VCF-style: chr17-46038615-A-C. GRCh37 (hg19) VCF-style: chr17-44115981-A-C.
Other names: c.2464T>G, p.Leu822Val (NM_001193465.2, NM_001193466.2, NM_001379198.1); short protein forms L822V.
Identifiers: ClinVar variation 514852 (VCV000514852.10), dbSNP rs754877424, ClinGen allele CA8618558.
Genomic context (GRCh38, chr17:46,038,615, plus strand): 5'-CCTGTGAGCTAGAGCTGGCGGGTGCAGGGGAATCTGAGGAGGTGGAGAGCTGTCGCACCA[A>C]GGGACTGTGTGGAGGATGGTGGGTGGCTGCCAAGTAGCTCGAACTGCTCATGTCTGTGTG-3'
Protein context (NP_056258.1, residues 812-832): AATHHPPHSP[Leu822Val]VRQLSTSSDS